The following is an entry in ClinVar:

ClinVar aggregate classification (germline): Uncertain significance (1 of 4 stars; one submission).

Submission:

Dasa
Classification: Uncertain significance. Last evaluated: 2024-12-09. Review status: criteria provided, single submitter. Criteria: DASA Assertion Criteria. Collection method: clinical testing. Allele origin: germline.
Comment: NM_001384732.1(CPLANE1):c.3359T>G (p.Met1120Arg) is a missense variant that results in the substitution of methionine with arginine. This variant has been observed in affected individuals with CPLANE1-related disorders. Also, this variant is absent from population databases. The currently available literature and clinical evidence are not sufficient to establish a definitive association between this variant and the reported condition. Therefore, this variant is classified as a variant of uncertain significance.

NM_001384732.1(CPLANE1):c.3359T>G (p.Met1120Arg)

Gene: CPLANE1 (ciliogenesis and planar polarity effector complex subunit 1; minus strand). Cytogenetic location: 5p13.2.
Variant type: single nucleotide variant.
Coding change: c.3359T>G on transcript NM_001384732.1 (MANE Select); coding-DNA position 3359, T replaced by G.
Protein change: p.Met1120Arg; replaces methionine 1120 with arginine.
Molecular consequence: missense variant.
Genome position (GRCh38, 1-based): chr5:37,201,739, A>C on the plus strand (T>G on the coding strand, the complement: CPLANE1 is on the minus strand). VCF-style: chr5-37201739-A-C. GRCh37 (hg19) VCF-style: chr5-37201841-A-C.
Other names: c.3359T>G, p.Met1120Arg (NM_023073.4); short protein forms M1120R.
Identifiers: ClinVar variation 4881078 (VCV004881078.2).